The following is an entry in ClinVar:

NM_001203.3(BMPR1B):c.80C>G (p.Pro27Arg)

Gene: BMPR1B (bone morphogenetic protein receptor type 1B; plus strand). Cytogenetic location: 4q22.3.
Variant type: single nucleotide variant.
Coding change: c.80C>G on transcript NM_001203.3 (MANE Select); coding-DNA position 80, C replaced by G.
Protein change: p.Pro27Arg; replaces proline 27 with arginine.
Molecular consequence: missense variant.
Genome position (GRCh38, 1-based): chr4:95,104,504, C>G. VCF-style: chr4-95104504-C-G. GRCh37 (hg19) VCF-style: chr4-96025655-C-G.
Other names: c.80C>G, p.Pro27Arg (NM_001256792.2, NM_001256794.1); c.170C>G, p.Pro57Arg (NM_001256793.2); c.80C>G (NM_001203.2); short protein forms P27R, P57R.
Identifiers: ClinVar variation 522761 (VCV000522761.13), dbSNP rs757312834, ClinGen allele CA3014875.

ClinVar aggregate classification (germline): Uncertain significance. Review status: criteria provided, multiple submitters, no conflicts (2 of 4 stars). 3 submissions from 3 submitters: Uncertain significance (3). Last evaluated 2025-08-30.

Conditions:
Acromesomelic dysplasia 3 (AMD3). Also called: Acromesomelic dysplasia, Demirhan type; CHONDRODYSPLASIA, ACROMESOMELIC, WITH OR WITHOUT GENITAL ANOMALIES. Identifiers: MedGen C4225404, MONDO:0012274, OMIM 609441.
Type A2 brachydactyly (BDA2). Also called: Brachymesophalangy type 2; BRACHYMESOPHALANGY II; MOHR-WRIEDT TYPE BRACHYDACTYLY. Identifiers: Orphanet 93396, MedGen C1832702, MONDO:0007216, OMIM 112600, HP:0009372.
Inborn genetic diseases. Identifiers: MedGen C0950123, MeSH D030342.
Pulmonary hypertension, primary, 3. Identifiers: Orphanet 422, MedGen C3809192, MONDO:0014135, OMIM 615343.

Allele frequency attached by ClinVar (database versions not stated): gnomAD 0.00001; gnomAD exomes 0.00001 and 0.00002; TOPMed 0.00001; ExAC 0.00003.
gnomAD v4.1: 19 of 1,613,362 alleles (0.0012%); highest among the groups gnomAD compares: South Asian, 0.0066%; no homozygotes.

Submissions (3):

Ambry Genetics
Classification: Uncertain significance for Inborn genetic diseases. Last evaluated: 2025-08-30. Review status: criteria provided, single submitter. Criteria: Ambry Variant Classification Scheme 2023. Collection method: clinical testing. Allele origin: germline.

Labcorp Genetics (formerly Invitae), Labcorp
Classification: Uncertain significance for Type A2 brachydactyly; Acromesomelic dysplasia 3. Last evaluated: 2022-01-12. Review status: criteria provided, single submitter. Criteria: Invitae Variant Classification Sherloc (09022015). Collection method: clinical testing. Allele origin: germline.
Comment: In summary, the available evidence is currently insufficient to determine the role of this variant in disease. Therefore, it has been classified as a Variant of Uncertain Significance. Advanced modeling of protein sequence and biophysical properties (such as structural, functional, and spatial information, amino acid conservation, physicochemical variation, residue mobility, and thermodynamic stability) performed at Invitae indicates that this missense variant is not expected to disrupt BMPR1B protein function. ClinVar contains an entry for this variant (Variation ID: 522761). This variant has not been reported in the literature in individuals affected with BMPR1B-related conditions. This variant is present in population databases (rs757312834, gnomAD 0.004%). This sequence change replaces proline, which is neutral and non-polar, with arginine, which is basic and polar, at codon 27 of the BMPR1B protein (p.Pro27Arg).

Genomic Research Center, Shahid Beheshti University of Medical Sciences
Classification: Uncertain significance for Pulmonary hypertension, primary, 3. Last evaluated: 2017-12-03. Review status: criteria provided, single submitter. Criteria: ACMG Guidelines, 2015. Collection method: clinical testing. Allele origin: inherited.